The following is an entry in ClinVar:

ClinVar aggregate classification (germline): Likely benign. Review status: criteria provided, multiple submitters, no conflicts (2 of 4 stars). 4 submissions from 4 submitters: Likely benign (4). Last evaluated 2026-01-08.

Conditions:
Breast-ovarian cancer, familial, susceptibility to, 3. Also called: RAD51C-Related Breast/Ovarian Cancer. Identifiers: Orphanet 145, MedGen C3150659, MONDO:0013253, OMIM 613399.
Hereditary cancer-predisposing syndrome. Also called: Neoplastic Syndromes, Hereditary; Hereditary neoplastic syndrome; Tumor predisposition; Hereditary Cancer Syndrome. Identifiers: Orphanet 140162, MedGen C0027672, MeSH D009386, MONDO:0015356.
Fanconi anemia complementation group O. Also called: RAD51C-Related Fanconi Anemia. Identifiers: Orphanet 84, MedGen C3150653, MONDO:0013248, OMIM 613390.

Allele frequency attached by ClinVar (database versions not stated): gnomAD exomes 0.00001; ExAC 0.00002.
gnomAD v4.1: 3 of 1,594,550 alleles (0.00019%); highest among the groups gnomAD compares: East Asian, 0.0022%; no homozygotes.

Submissions (4):

Labcorp Genetics (formerly Invitae), Labcorp
Classification: Likely benign for Fanconi anemia complementation group O. Last evaluated: 2026-01-08. Review status: criteria provided, single submitter. Criteria: Invitae Variant Classification Sherloc (09022015). Collection method: clinical testing. Allele origin: germline.

Myriad Genetics, Inc.
Classification: Likely benign for Breast-ovarian cancer, familial, susceptibility to, 3. Last evaluated: 2025-02-18. Review status: criteria provided, single submitter. Criteria: Myriad Autosomal Dominant, Autosomal Recessive and X-Linked Classification Criteria (2023). Collection method: clinical testing. Allele origin: unknown.
Comment: This variant is considered likely benign. This variant is intronic and is not expected to impact mRNA splicing.

Color Diagnostics, LLC DBA Color Health
Classification: Likely benign for Hereditary cancer-predisposing syndrome. Last evaluated: 2017-07-19. Review status: criteria provided, single submitter. Criteria: ACMG Guidelines, 2015. Collection method: clinical testing. Allele origin: germline.

GeneDx
Classification: Likely benign. Last evaluated: 2016-08-08. Review status: criteria provided, single submitter. Criteria: GeneDx Variant Classification (06012015). Collection method: clinical testing. Allele origin: germline. Affected: yes.
Comment: This variant is considered likely benign or benign based on one or more of the following criteria: it is a conservative change, it occurs at a poorly conserved position in the protein, it is predicted to be benign by multiple in silico algorithms, and/or has population frequency not consistent with disease.

NM_058216.3(RAD51C):c.706-17A>G

Gene: RAD51C (RAD51 paralog C; plus strand). Cytogenetic location: 17q22.
Variant type: single nucleotide variant.
Coding change: c.706-17A>G on transcript NM_058216.3 (MANE Select); 17 bases into the intron before coding-DNA position 706, A replaced by G.
Molecular consequence: intron variant.
Genome position (GRCh38, 1-based): chr17:58,709,842, A>G. VCF-style: chr17-58709842-A-G. GRCh37 (hg19) VCF-style: chr17-56787203-A-G.
Other names: c.706-17A>G (LRG_314t1).
Identifiers: ClinVar variation 388465 (VCV000388465.12), dbSNP rs772028189, ClinGen allele CA8677318.